The following is an entry in ClinVar:

ClinVar aggregate classification (germline): Uncertain significance (1 of 4 stars; one submission).

Conditions:
Cardiovascular phenotype. Identifiers: MedGen CN230736.

Submission:

Ambry Genetics
Classification: Uncertain significance for Cardiovascular phenotype. Last evaluated: 2024-11-26. Review status: criteria provided, single submitter. Criteria: Ambry Variant Classification Scheme 2023. Collection method: clinical testing. Allele origin: germline.
Comment: The p.S714Y variant (also known as c.2141C>A), located in coding exon 13 of the CBL gene, results from a C to A substitution at nucleotide position 2141. The serine at codon 714 is replaced by tyrosine, an amino acid with dissimilar properties. This amino acid position is conserved. In addition, this alteration is predicted to be tolerated by in silico analysis. Based on the available evidence, the clinical significance of this variant remains unclear.

NM_005188.4(CBL):c.2141C>A (p.Ser714Tyr)

Gene: CBL (Cbl proto-oncogene; plus strand). Cytogenetic location: 11q23.3.
Variant type: single nucleotide variant.
Coding change: c.2141C>A on transcript NM_005188.4 (MANE Select); coding-DNA position 2141, C replaced by A.
Protein change: p.Ser714Tyr; replaces serine 714 with tyrosine.
Molecular consequence: missense variant.
Genome position (GRCh38, 1-based): chr11:119,297,022, C>A. VCF-style: chr11-119297022-C-A. GRCh37 (hg19) VCF-style: chr11-119167732-C-A.
Other names: short protein forms S714Y.
Identifiers: ClinVar variation 3485620 (VCV003485620.1).